The following is an entry in ClinVar:

NM_002880.4(RAF1):c.582-137A>G

Gene: RAF1 (Raf-1 proto-oncogene, serine/threonine kinase; minus strand). Cytogenetic location: 3p25.2.
Variant type: single nucleotide variant.
Coding change: c.582-137A>G on transcript NM_002880.4 (MANE Select); 137 bases into the intron before coding-DNA position 582, A replaced by G.
Molecular consequence: intron variant.
Genome position (GRCh38, 1-based): chr3:12,606,436, T>C on the plus strand (A>G on the coding strand, the complement: RAF1 is on the minus strand). VCF-style: chr3-12606436-T-C. GRCh37 (hg19) VCF-style: chr3-12647935-T-C.
Other names: NC_000003.11:g.12647935T>C; c.339-2147A>G (NM_001354695.3); c.339-137A>G (NM_001354692.3, NM_001354694.3, NM_001354691.3); c.582-2147A>G (NM_001354693.3); c.582-137A>G (NM_001354689.3, NM_001354690.3).
Identifiers: ClinVar variation 561440 (VCV000561440.2), dbSNP rs61762461, ClinGen allele CA69621114.

ClinVar aggregate classification (germline): Likely benign (1 of 4 stars; one submission).

Allele frequency attached by ClinVar (database versions not stated): gnomAD exomes 0.00118; gnomAD 0.01046 and 0.01128; TOPMed 0.01192; 1000 Genomes Project 0.01218; 1000 Genomes Project 30x 0.01343.
gnomAD v4.1: 2,263 of 700,574 alleles (0.32%); highest among the groups gnomAD compares: African/African-American, 3.6%; 30 homozygotes.

Submissions (2):

GeneDx
Classification: Likely benign. Last evaluated: 2018-06-14. Review status: criteria provided, single submitter. Criteria: GeneDx Variant Classification (06012015). Collection method: clinical testing. Allele origin: germline. Affected: yes.
Comment: This variant is considered likely benign or benign based on one or more of the following criteria: it is a conservative change, it occurs at a poorly conserved position in the protein, it is predicted to be benign by multiple in silico algorithms, and/or has population frequency not consistent with disease.

Dr. Peter K. Rogan Lab, Western University
No classification provided (evidence only). Condition: Cervical cancer. Review status: no classification provided. Collection method: in vitro. Allele origin: not applicable. Functional consequence: retained intron. Not counted in ClinVar's aggregate classification.